The following is an entry in ClinVar:

NC_000016.9:g.(?_167280)_(180610_?)del

Gene: NPRL3 (NPR3 like, GATOR1 complex subunit; minus strand). Cytogenetic location: 16p13.3.
Variant type: Deletion.
Identifiers: ClinVar variation 3243552 (VCV003243552.1).

ClinVar aggregate classification (germline): Pathogenic (1 of 4 stars; one submission).

Conditions:
Epilepsy, familial focal, with variable foci 3 (FFEVF3). Identifiers: MedGen C4310708, MONDO:0014925, OMIM 617118.

Submission:

Labcorp Genetics (formerly Invitae), Labcorp
Classification: Pathogenic for Epilepsy, familial focal, with variable foci 3. Last evaluated: 2023-10-04. Review status: criteria provided, single submitter. Criteria: Invitae Variant Classification Sherloc (09022015). Collection method: clinical testing. Allele origin: unknown.
Comment: This variant is a gross deletion of the genomic region encompassing exon(s) 3-5 of the NPRL3 gene. This deletion is out-of-frame, and is expected to create a premature termination codon and result in an absent or disrupted protein product. Loss-of-function variants in NPRL3 are known to be pathogenic (PMID: 26285051, 26505888). This variant has not been reported in the literature in individuals affected with NPRL3-related conditions. For these reasons, this variant has been classified as Pathogenic.

Literature cited by the submitters: PubMed 26285051; PubMed 26505888.